The following is an entry in ClinVar:

ClinVar aggregate classification (germline): Uncertain significance (1 of 4 stars; one submission).

Allele frequency attached by ClinVar (database versions not stated): gnomAD 0.00001; gnomAD exomes 0.00001; TOPMed 0.00001; ExAC 0.00002.
gnomAD v4.1: 13 of 1,614,060 alleles (0.00081%); highest among the groups gnomAD compares: South Asian, 0.0088%; no homozygotes.

Submission:

Labcorp Genetics (formerly Invitae), Labcorp
Classification: Uncertain significance. Last evaluated: 2024-06-26. Review status: criteria provided, single submitter. Criteria: Invitae Variant Classification Sherloc (09022015). Collection method: clinical testing. Allele origin: germline.
Comment: This sequence change replaces asparagine, which is neutral and polar, with aspartic acid, which is acidic and polar, at codon 1082 of the TRRAP protein (p.Asn1082Asp). This variant is present in population databases (rs782261368, gnomAD 0.01%). This variant has not been reported in the literature in individuals affected with TRRAP-related conditions. ClinVar contains an entry for this variant (Variation ID: 1906501). Advanced modeling of protein sequence and biophysical properties (such as structural, functional, and spatial information, amino acid conservation, physicochemical variation, residue mobility, and thermodynamic stability) performed at Invitae indicates that this missense variant is not expected to disrupt TRRAP protein function with a negative predictive value of 80%. In summary, the available evidence is currently insufficient to determine the role of this variant in disease. Therefore, it has been classified as a Variant of Uncertain Significance.

NM_001375524.1(TRRAP):c.3244A>G (p.Asn1082Asp)

Gene: TRRAP (transformation/transcription domain associated protein; plus strand). Cytogenetic location: 7q22.1.
Variant type: single nucleotide variant.
Coding change: c.3244A>G on transcript NM_001375524.1 (MANE Select); coding-DNA position 3244, A replaced by G.
Protein change: p.Asn1082Asp; replaces asparagine 1082 with aspartic acid.
Molecular consequence: missense variant.
Genome position (GRCh38, 1-based): chr7:98,930,057, A>G. VCF-style: chr7-98930057-A-G. GRCh37 (hg19) VCF-style: chr7-98527680-A-G.
Other names: c.3244A>G, p.Asn1082Asp (NM_001244580.2, NM_003496.4); short protein forms N1082D.
Identifiers: ClinVar variation 1906501 (VCV001906501.5), dbSNP rs782261368, ClinGen allele CA4359959.